The following is an entry in ClinVar:

NM_001267550.2(TTN):c.93244G>A (p.Glu31082Lys)

Genes: TTN (titin; minus strand), TTN-AS1 (TTN antisense RNA 1; plus strand). Cytogenetic location: 2q31.2.
Variant type: single nucleotide variant.
Coding change: c.93244G>A on transcript NM_001267550.2 (MANE Select); coding-DNA position 93244, G replaced by A.
Protein change: p.Glu31082Lys; replaces glutamic acid 31082 with lysine.
Molecular consequence: missense variant.
Genome position (GRCh38, 1-based): chr2:178,548,382, C>T on the plus strand (G>A on the coding strand, the complement: TTN is on the minus strand). VCF-style: chr2-178548382-C-T. GRCh37 (hg19) VCF-style: chr2-179413109-C-T.
Other names: c.88321G>A, p.Glu29441Lys (NM_001256850.1); c.93244G>A (NM_001267550.1); c.66049G>A, p.Glu22017Lys (NM_003319.4); c.85540G>A, p.Glu28514Lys (NM_133378.4); c.66424G>A, p.Glu22142Lys (NM_133432.3); c.66625G>A, p.Glu22209Lys (NM_133437.4); short protein forms E31082K, E22142K, E29441K, E22209K, E22017K.
Identifiers: ClinVar variation 167762 (VCV000167762.19), dbSNP rs199663613, ClinGen allele CA235048.
Genomic context (GRCh38, chr2:178,548,382, plus strand): 5'-AGGGCTCACCAACACCATACTCATTTACTGCAGAAACACGGAAATAGTACGGAACACCTT[C>T]GGCCAGGTCATTGACCTTGAAGATCTGACGAGTGCATTTTTCACTGATAACCTGCCAACT-3'
Protein context (NP_001254479.2, residues 31072-31092): RQIFKVNDLA[Glu31082Lys]GVPYYFRVSA

ClinVar aggregate classification (germline): Conflicting classifications of pathogenicity. Review status: criteria provided, conflicting classifications (1 of 4 stars). 7 submissions from 7 submitters: Uncertain significance (4); Likely benign (2). 1 of the submissions does not count toward it. Last evaluated 2026-06-17.

Conditions:
TTN-related disorder. Also called: TTN-related disorders; TTN-related condition; TTN-related disease.
Cardiovascular phenotype. Identifiers: MedGen CN230736.
Left ventricular hypertrophy. Identifiers: MedGen C0149721, HP:0001712.

Allele frequency attached by ClinVar (database versions not stated): gnomAD exomes 0.00005 and 0.00003; 1000 Genomes Project 0.00020; ExAC 0.00007; 1000 Genomes Project 30x 0.00016; TOPMed 0.00019; gnomAD 0.00020 and 0.00017; ESP Exome Variant Server 0.00024.
gnomAD v4.1: 68 of 1,613,872 alleles (0.0042%); highest among the groups gnomAD compares: African/African-American, 0.067%; no homozygotes.

Submissions (7):

PreventionGenetics, part of Exact Sciences
Classification: Uncertain significance for TTN-related condition. Last evaluated: 2026-06-17. Review status: criteria provided, single submitter. Criteria: ACMG Guidelines, 2015. Collection method: clinical testing. Allele origin: germline.
Comment: The TTN c.93244G>A variant is predicted to result in the amino acid substitution p.Glu31082Lys. This variant has been reported in an individual with dilated cardiomyopathy (Table S3, Mazzarotto et al. 2020. PubMed ID: 31983221). This variant is reported in 0.058% of alleles in individuals of African descent in gnomAD. Although we suspect that this variant may be benign, at this time, the clinical significance of this variant is uncertain due to the absence of conclusive functional and genetic evidence.

Athena Diagnostics
Classification: Uncertain significance. Last evaluated: 2021-03-19. Review status: criteria provided, single submitter. Criteria: Athena Diagnostics criteria. Collection method: clinical testing. Allele origin: unknown.

GeneDx
Classification: Likely benign. Last evaluated: 2020-04-13. Review status: criteria provided, single submitter. Criteria: GeneDx Variant Classification Process June 2021. Collection method: clinical testing. Allele origin: germline. Affected: yes.
Comment: This variant is associated with the following publications: (PMID: 31983221)

Ambry Genetics
Classification: Likely benign for Cardiovascular phenotype. Last evaluated: 2020-01-16. Review status: criteria provided, single submitter. Criteria: Ambry Variant Classification Scheme 2023. Collection method: clinical testing. Allele origin: germline.

Revvity Omics, Revvity
Classification: Uncertain significance. Last evaluated: 2019-01-14. Review status: criteria provided, single submitter. Criteria: ACMG Guidelines, 2015. Collection method: clinical testing. Allele origin: germline.

Eurofins Ntd Llc (ga)
Classification: Uncertain significance. Last evaluated: 2017-04-25. Review status: criteria provided, single submitter. Criteria: EGL Classification Definitions 2015. Collection method: clinical testing. Allele origin: germline. Observed: 4 variant alleles, 4 heterozygotes.

Clinical Molecular Genetics Laboratory, Johns Hopkins All Children's Hospital
Classification: Uncertain significance for Left ventricular hypertrophy. Last evaluated: 2015-11-04. Review status: no assertion criteria provided. Collection method: clinical testing. Allele origin: germline. Affected: yes. Not counted in ClinVar's aggregate classification.